The following is an entry in ClinVar:

NM_057175.5(NAA15):c.908-2A>G

Gene: NAA15 (N-alpha-acetyltransferase 15, NatA auxiliary subunit; plus strand). Cytogenetic location: 4q31.1.
Variant type: single nucleotide variant.
Coding change: c.908-2A>G on transcript NM_057175.5 (MANE Select); the canonical splice acceptor site of the intron before coding-DNA position 908, A replaced by G.
Molecular consequence: splice acceptor variant.
Genome position (GRCh38, 1-based): chr4:139,351,503, A>G. VCF-style: chr4-139351503-A-G. GRCh37 (hg19) VCF-style: chr4-140272657-A-G.
Other names: c.908-2A>G (NM_001410842.1).
Identifiers: ClinVar variation 1174541 (VCV001174541.5), dbSNP rs2110935003, ClinGen allele CA358261395.

ClinVar aggregate classification (germline): Pathogenic. Review status: criteria provided, multiple submitters, no conflicts (2 of 4 stars). 2 submissions from 2 submitters: Pathogenic (2). Last evaluated 2025-08-22.

Conditions:
Intellectual developmental disorder, autosomal dominant 50, with behavioral abnormalities. Also called: MENTAL RETARDATION, AUTOSOMAL DOMINANT 50; Intellectual disability, autosomal dominant 50. Identifiers: MedGen C4540470, MONDO:0030916, OMIM 617787.

Allele frequency attached by ClinVar (database versions not stated): gnomAD exomes below 0.00001.
gnomAD v4.1: 1 of 1,555,684 alleles (0.000064%); highest among the groups gnomAD compares: Non-Finnish European, 0.000088%; no homozygotes.

Submissions (2):

GeneDx
Classification: Pathogenic. Last evaluated: 2025-08-22. Review status: criteria provided, single submitter. Criteria: GeneDx Variant Classification Process June 2021. Collection method: clinical testing. Allele origin: germline. Affected: yes.
Comment: Canonical splice site variant predicted to result in a null allele in a gene for which loss of function is a known mechanism of disease; Not observed at significant frequency in large population cohorts (gnomAD); This variant is associated with the following publications: (PMID: 28191889, 33004838, 29656860)

3billion
Classification: Pathogenic for Intellectual developmental disorder, autosomal dominant 50, with behavioral abnormalities. Last evaluated: 2025-04-10. Review status: criteria provided, single submitter. Criteria: ACMG Guidelines, 2015. Collection method: clinical testing. Allele origin: germline. Affected: yes.
Comment: The variant is observed at an extremely low frequency in the gnomAD v4.1.0 dataset (total allele frequency: <0.001%). Predicted Consequence/Location: Canonical splice site: predicted to alter splicing and result in a loss or disruption of normal protein function. Multiple pathogenic loss-of-function variants are reported downstream of the variant. The variant has been previously reported as de novo in a similarly affected individual (PMID: 29656860). The variant has been reported at least twice as pathogenic without evidence for the classification (ClinVar ID: VCV001174541 / PMID: 29656860).Therefore, this variant is classified as Pathogenic according to the recommendation of ACMG/AMP guideline.

Literature cited by the submitters: PubMed 29656860 (cited by 3billion).